The following is an entry in ClinVar:

ClinVar aggregate classification (germline): Uncertain significance (0 of 4 stars; one submission).

Conditions:
Fanconi anemia complementation group A (FANCA). Also called: Fanconi anemia, group A; FANCA-Related Fanconi Anemia. Identifiers: Orphanet 84, MedGen C3469521, MONDO:0009215, OMIM 227650.

Submission:

Leiden Open Variation Database
Classification: Uncertain significance for Fanconi anemia complementation group A. Last evaluated: 2020-02-28. Review status: no assertion criteria provided. Collection method: curation. Allele origin: germline. Affected: yes.
Comment: Curator: Arleen D. Auerbach. Submitter to LOVD: Arleen D. Auerbach.

Literature cited by the submitters: PubMed 16084127.

NC_000016.10:g.(89767238_89769836)_(89811072_89814519)del

Gene: FANCA (FA complementation group A; minus strand). Cytogenetic location: 16q24.3.
Variant type: Deletion.
Identifiers: ClinVar variation 974092 (VCV000974092.1).